The following is an entry in ClinVar:

ClinVar aggregate classification (germline): Uncertain significance (1 of 4 stars; one submission).

Allele frequency attached by ClinVar (database versions not stated): TOPMed 0.00001; gnomAD exomes 0.00003; ExAC 0.00004.
gnomAD v4.1: 44 of 1,613,534 alleles (0.0027%); highest among the groups gnomAD compares: Admixed American, 0.0067%; no homozygotes.

Submission:

Labcorp Genetics (formerly Invitae), Labcorp
Classification: Uncertain significance. Last evaluated: 2022-08-21. Review status: criteria provided, single submitter. Criteria: Invitae Variant Classification Sherloc (09022015). Collection method: clinical testing. Allele origin: germline.
Comment: This sequence change creates a premature translational stop signal (p.Arg173*) in the CLCC1 gene. It is expected to result in an absent or disrupted protein product. However, the current clinical and genetic evidence is not sufficient to establish whether loss-of-function variants in CLCC1 cause disease. This variant is present in population databases (rs751319721, gnomAD 0.009%). This variant has not been reported in the literature in individuals affected with CLCC1-related conditions. ClinVar contains an entry for this variant (Variation ID: 1423474). Algorithms developed to predict the effect of sequence changes on RNA splicing suggest that this variant may create or strengthen a splice site. In summary, the available evidence is currently insufficient to determine the role of this variant in disease. Therefore, it has been classified as a Variant of Uncertain Significance.

NM_001377458.1(CLCC1):c.517C>T (p.Arg173Ter)

Gene: CLCC1 (chloride channel CLIC like 1; minus strand). Cytogenetic location: 1p13.3.
Variant type: single nucleotide variant.
Coding change: c.517C>T on transcript NM_001377458.1 (MANE Select); coding-DNA position 517, C replaced by T.
Protein change: p.Arg173Ter; replaces arginine 173 with a stop codon.
Molecular consequence: nonsense. On other transcripts: non-coding transcript variant (1), intron variant (2).
Genome position (GRCh38, 1-based): chr1:108,943,880, G>A on the plus strand (C>T on the coding strand, the complement: CLCC1 is on the minus strand). VCF-style: chr1-108943880-G-A. GRCh37 (hg19) VCF-style: chr1-109486502-G-A.
Other names: c.517C>T, p.Arg173Ter (NM_001377459.1, NM_001377460.1, NM_001377461.1 and 8 more transcripts); c.415C>T, p.Arg139Ter (NM_001377469.1); c.226C>T, p.Arg76Ter (NM_001377470.1); c.367C>T, p.Arg123Ter (NM_015127.5); c.340-2382C>T (NM_001278202.2); c.339+3731C>T (NM_001278203.1); short protein forms R173*, R76*, R123*, R139*.
Identifiers: ClinVar variation 1423474 (VCV001423474.3), dbSNP rs751319721, ClinGen allele CA983585.